The following is an entry in ClinVar:

ClinVar aggregate classification (germline): Uncertain significance (1 of 4 stars; one submission).

Submission:

Women's Health and Genetics/Laboratory Corporation of America, LabCorp
Classification: Uncertain significance. Last evaluated: 2025-12-04. Review status: criteria provided, single submitter. Criteria: LabCorp Variant Classification Summary - May 2015. Collection method: clinical testing. Allele origin: germline.
Comment: Variant summary: BCL11A c.1620C>A (p.Ser540Arg) results in a non-conservative amino acid change in the encoded protein sequence. Algorithms developed to predict the effect of missense changes on protein structure and function are either unavailable or do not agree on the potential impact of this missense change. The variant allele was found at a frequency of 4.4e-06 in 227874 control chromosomes. The available data on variant occurrences in the general population are insufficient to allow any conclusion about variant significance. To our knowledge, no occurrence of c.1620C>A in individuals affected with BCL11A-related conditions and no experimental evidence demonstrating its impact on protein function have been reported. No submitters have cited clinical-significance assessments for this variant to ClinVar. Based on the evidence outlined above, the variant was classified as uncertain significance.

NM_022893.4(BCL11A):c.1620C>A (p.Ser540Arg)

Gene: BCL11A (BCL11 transcription factor A; minus strand). Cytogenetic location: 2p16.1.
Variant type: single nucleotide variant.
Coding change: c.1620C>A on transcript NM_022893.4 (MANE Select); coding-DNA position 1620, C replaced by A.
Protein change: p.Ser540Arg; replaces serine 540 with arginine.
Molecular consequence: missense variant. On other transcripts: intron variant (6).
Genome position (GRCh38, 1-based): chr2:60,461,292, G>T on the plus strand (C>A on the coding strand, the complement: BCL11A is on the minus strand). VCF-style: chr2-60461292-G-T. GRCh37 (hg19) VCF-style: chr2-60688427-G-T.
Other names: c.1518C>A, p.Ser506Arg (NM_001363864.1, NM_001365609.1, NM_001405711.1 and 2 more transcripts); c.1620C>A, p.Ser540Arg (NM_001405708.1, NM_001405709.1, NM_001405710.1 and 1 more transcripts); c.1464C>A, p.Ser488Arg (NM_001405713.1, NM_001405714.1, NM_001405715.1 and 3 more transcripts); c.1362C>A, p.Ser454Arg (NM_001405717.1, NM_001405718.1, NM_001405724.1); c.1287C>A, p.Ser429Arg (NM_001405720.1, NM_001405721.1); c.1164C>A, p.Ser388Arg (NM_001405725.1, NM_001405726.1, NM_001405727.1 and 1 more transcripts); c.927C>A, p.Ser309Arg (NM_001405729.1); c.1083C>A, p.Ser361Arg (NM_001405730.1); and 5 more; short protein forms S209R, S309R, S361R, S388R, S429R, S454R, S488R, S506R.
Identifiers: ClinVar variation 4688558 (VCV004688558.1).